The following is an entry in ClinVar:

NM_003200.5(TCF3):c.499+6C>G

Gene: TCF3 (transcription factor 3; minus strand). Cytogenetic location: 19p13.3.
Variant type: single nucleotide variant.
Coding change: c.499+6C>G on transcript NM_003200.5 (MANE Select); 6 bases into the intron after coding-DNA position 499, C replaced by G.
Molecular consequence: intron variant.
Genome position (GRCh38, 1-based): chr19:1,625,570, G>C on the plus strand (C>G on the coding strand, the complement: TCF3 is on the minus strand). VCF-style: chr19-1625570-G-C. GRCh37 (hg19) VCF-style: chr19-1625569-G-C.
Other names: c.499+6C>G (NM_001351778.2, NM_001136139.4, NM_001351779.2).
Identifiers: ClinVar variation 1401414 (VCV001401414.6), dbSNP rs762260573, ClinGen allele CA2573155805.

ClinVar aggregate classification (germline): Uncertain significance (1 of 4 stars; one submission).

gnomAD v4.1: 3 of 1,576,794 alleles (0.00019%); highest among the groups gnomAD compares: Non-Finnish European, 0.00026%; no homozygotes.

Submission:

Labcorp Genetics (formerly Invitae), Labcorp
Classification: Uncertain significance. Last evaluated: 2023-12-11. Review status: criteria provided, single submitter. Criteria: Invitae Variant Classification Sherloc (09022015). Collection method: clinical testing. Allele origin: germline.
Comment: This sequence change falls in intron 7 of the TCF3 gene. It does not directly change the encoded amino acid sequence of the TCF3 protein. It affects a nucleotide within the consensus splice site. This variant is not present in population databases (gnomAD no frequency). This variant has not been reported in the literature in individuals affected with TCF3-related conditions. ClinVar contains an entry for this variant (Variation ID: 1401414). Variants that disrupt the consensus splice site are a relatively common cause of aberrant splicing (PMID: 17576681, 9536098). Algorithms developed to predict the effect of sequence changes on RNA splicing suggest that this variant is not likely to affect RNA splicing. In summary, the available evidence is currently insufficient to determine the role of this variant in disease. Therefore, it has been classified as a Variant of Uncertain Significance.

Literature cited by the submitters: PubMed 17576681; PubMed 9536098.